The following is an entry in ClinVar:

NM_000212.3(ITGB3):c.-7G>C

Genes: ITGB3 (integrin subunit beta 3; plus strand), LOC130061041 (ATAC-STARR-seq lymphoblastoid silent region 8624; plus strand). Cytogenetic location: 17q21.32.
Variant type: single nucleotide variant.
Coding change: c.-7G>C on transcript NM_000212.3 (MANE Select); 7 bases upstream of the start codon, G replaced by C.
Molecular consequence: 5 prime UTR variant.
Genome position (GRCh38, 1-based): chr17:47,253,855, G>C. VCF-style: chr17-47253855-G-C. GRCh37 (hg19) VCF-style: chr17-45331221-G-C.
Identifiers: ClinVar variation 255534 (VCV000255534.9), dbSNP rs117052258, ClinGen allele CA8622826.

ClinVar aggregate classification (germline): Benign/Likely benign. Review status: criteria provided, multiple submitters, no conflicts (2 of 4 stars). 5 submissions from 5 submitters: Benign (4); Likely benign (1). Last evaluated 2024-11-27.

Conditions:
Glanzmann thrombasthenia. Also called: PLATELET GLYCOPROTEIN IIb-IIIa DEFICIENCY; THROMBASTHENIA OF GLANZMANN AND NAEGELI; Glanzmann's thrombasthenia; Thrombasthenia. Identifiers: Orphanet 849, MedGen C0040015, MONDO:0100326.

Allele frequency attached by ClinVar (database versions not stated): gnomAD 0.02423 and 0.02922; TOPMed 0.02823; gnomAD exomes 0.02846 and 0.03448; 1000 Genomes Project 30x 0.06964; 1000 Genomes Project 0.07288; ExAC 0.22222.
gnomAD v4.1: 35,365 of 1,219,630 alleles (2.9%); highest among the groups gnomAD compares: East Asian, 20%; 1,156 homozygotes.

Submissions (5):

Blueprint Genetics
Classification: Likely benign. Last evaluated: 2024-11-27. Review status: criteria provided, single submitter. Criteria: ACMG Guidelines, 2015. Collection method: clinical testing. Allele origin: germline.

Mayo Clinic Laboratories, Mayo Clinic
Classification: Benign. Last evaluated: 2022-09-29. Review status: criteria provided, single submitter. Criteria: ACMG Guidelines, 2015. Collection method: clinical testing. Allele origin: germline. Observed: 31 variant alleles.

Illumina Laboratory Services, Illumina
Classification: Benign for Glanzmann thrombasthenia 1. Last evaluated: 2018-01-13. Review status: criteria provided, single submitter. Criteria: ICSL Variant Classification Criteria 13 December 2019. Collection method: clinical testing. Allele origin: germline.
Comment: This variant was observed in the ICSL laboratory as part of a predisposition screen in an ostensibly healthy population. It had not been previously curated by ICSL or reported in the Human Gene Mutation Database (HGMD: prior to June 1st, 2018), and was therefore a candidate for classification through an automated scoring system. Utilizing variant allele frequency, disease prevalence and penetrance estimates, and inheritance mode, an automated score was calculated to assess if this variant is too frequent to cause the disease. Based on the score and internal cut-off values, a variant classified as benign is not then subjected to further curation. The score for this variant resulted in a classification of benign for this disease.

Breakthrough Genomics
Classification: Benign. Review status: criteria provided, single submitter. Criteria: ACMG Guidelines, 2015. Collection method: not provided. Allele origin: germline. Inheritance: Autosomal recessive inheritance. Affected: yes.

PreventionGenetics, part of Exact Sciences
Classification: Benign. Review status: criteria provided, single submitter. Criteria: ACMG Guidelines, 2015. Collection method: clinical testing. Allele origin: germline.